The following is an entry in ClinVar:

ClinVar aggregate classification (germline): Conflicting classifications of pathogenicity. Review status: criteria provided, conflicting classifications (1 of 4 stars). 2 submissions from 2 submitters: Uncertain significance (1); Likely benign (1). Last evaluated 2025-05-05.

Conditions:
Neurofibromatosis, type 1 (NF1). Also called: NEUROFIBROMATOSIS, TYPE I, SOMATIC; Peripheral type neurofibromatosis; Neurofibromatosis, type I; VON RECKLINGHAUSEN DISEASE. Identifiers: Orphanet 636, MedGen C0027831, MONDO:0018975, OMIM 162200. Disease mechanism: loss of function.
Cardiovascular phenotype. Identifiers: MedGen CN230736.
Hereditary cancer-predisposing syndrome. Also called: Tumor predisposition; Neoplastic Syndromes, Hereditary; Hereditary Cancer Syndrome; Hereditary neoplastic syndrome. Identifiers: Orphanet 140162, MedGen C0027672, MeSH D009386, MONDO:0015356.

Submissions (2):

Ambry Genetics
Classification: Uncertain significance for Cardiovascular phenotype; Hereditary cancer-predisposing syndrome. Last evaluated: 2025-05-05. Review status: criteria provided, single submitter. Criteria: Ambry Variant Classification Scheme 2023. Collection method: clinical testing. Allele origin: germline.
Comment: The c.6084+5_6084+7delTCA intronic variant, located in intron 40 of the NF1 gene, results from a deletion of 3 nucleotides within intron 40 of the NF1 gene. This nucleotide position is well conserved in available vertebrate species. In silico splice site analysis predicts that this alteration will not have any significant effect on splicing. Based on the available evidence, the clinical significance of this variant remains unclear.

Labcorp Genetics (formerly Invitae), Labcorp
Classification: Likely benign for Neurofibromatosis, type 1. Last evaluated: 2024-06-26. Review status: criteria provided, single submitter. Criteria: Invitae Variant Classification Sherloc (09022015). Collection method: clinical testing. Allele origin: germline.

NM_001042492.3(NF1):c.6147+5_6147+7del

Gene: NF1 (neurofibromin 1; plus strand). Cytogenetic location: 17q11.2.
Variant type: Deletion.
Coding change: c.6147+5_6147+7del on transcript NM_001042492.3 (MANE Select); bases 5 to 7 of the intron after coding-DNA position 6147, 3 bases deleted (TCA; older notation c.6147+5_6147+7delTCA).
Molecular consequence: intron variant.
Genome position (GRCh38, 1-based): chr17:31,336,478-31,336,480, TCA deleted; deleting any 3 consecutive bases within chr17:31,336,477-31,336,480 gives the same sequence; the c. name uses the placement nearest the transcript's 3' end. VCF-style (leftmost placement, unchanged base first): chr17-31336476-AATC-A. GRCh37 (hg19) VCF-style: chr17-29663494-AATC-A.
Other names: c.6084+5_6084+7del (NM_000267.4); c.6084+5_6084+7delTCA (NM_000267.3).
Identifiers: ClinVar variation 1092791 (VCV001092791.8), dbSNP rs2151553635, ClinGen allele CA2499224185.